The following is an entry in ClinVar:

NM_173648.4(CCDC141):c.1255G>A (p.Asp419Asn)

Gene: CCDC141 (coiled-coil domain containing 141; minus strand). Cytogenetic location: 2q31.2.
Variant type: single nucleotide variant.
Coding change: c.1255G>A on transcript NM_173648.4 (MANE Select); coding-DNA position 1255, G replaced by A.
Protein change: p.Asp419Asn; replaces aspartic acid 419 with asparagine.
Molecular consequence: missense variant.
Genome position (GRCh38, 1-based): chr2:178,905,339, C>T on the plus strand (G>A on the coding strand, the complement: CCDC141 is on the minus strand). VCF-style: chr2-178905339-C-T. GRCh37 (hg19) VCF-style: chr2-179770066-C-T.
Other names: c.1255G>A (NM_173648.3); c.1255G>A, p.Asp419Asn (NM_001316745.2); short protein forms D419N.
Identifiers: ClinVar variation 3005529 (VCV003005529.4), dbSNP rs1286977266, ClinGen allele CA349488995.

ClinVar aggregate classification (germline): Uncertain significance. Review status: criteria provided, multiple submitters, no conflicts (2 of 4 stars). 2 submissions from 2 submitters: Uncertain significance (2). Last evaluated 2025-04-05.

Allele frequency attached by ClinVar (database versions not stated): TOPMed below 0.00001; gnomAD 0.00001.
gnomAD v4.1: 4 of 1,548,636 alleles (0.00026%); highest among the groups gnomAD compares: Admixed American, 0.002%; no homozygotes.

Submissions (2):

Ambry Genetics
Classification: Uncertain significance. Last evaluated: 2025-04-05. Review status: criteria provided, single submitter. Criteria: Ambry Variant Classification Scheme 2023. Collection method: clinical testing. Allele origin: germline.

Labcorp Genetics (formerly Invitae), Labcorp
Classification: Uncertain significance. Last evaluated: 2024-01-21. Review status: criteria provided, single submitter. Criteria: Invitae Variant Classification Sherloc (09022015). Collection method: clinical testing. Allele origin: germline.
Comment: This sequence change replaces aspartic acid, which is acidic and polar, with asparagine, which is neutral and polar, at codon 419 of the CCDC141 protein (p.Asp419Asn). This variant is present in population databases (no rsID available, gnomAD 0.002%). This variant has not been reported in the literature in individuals affected with CCDC141-related conditions. Algorithms developed to predict the effect of missense changes on protein structure and function output the following: SIFT: "Not Available"; PolyPhen-2: "Benign"; Align-GVGD: "Not Available". The asparagine amino acid residue is found in multiple mammalian species, which suggests that this missense change does not adversely affect protein function. In summary, the available evidence is currently insufficient to determine the role of this variant in disease. Therefore, it has been classified as a Variant of Uncertain Significance.